The following is an entry in ClinVar:

ClinVar aggregate classification (germline): Uncertain significance (1 of 4 stars; one submission).

Conditions:
Inborn genetic diseases. Identifiers: MedGen C0950123, MeSH D030342.

gnomAD v4.1: 3 of 1,614,024 alleles (0.00019%); highest among the groups gnomAD compares: South Asian, 0.0033%; no homozygotes.

Submission:

Ambry Genetics
Classification: Uncertain significance for Inborn genetic diseases. Last evaluated: 2025-09-26. Review status: criteria provided, single submitter. Criteria: Ambry Variant Classification Scheme 2023. Collection method: clinical testing. Allele origin: germline.
Comment: The p.A53D variant (also known as c.158C>A), located in coding exon 1 of the ANKRD26 gene, results from a C to A substitution at nucleotide position 158. The alanine at codon 53 is replaced by aspartic acid, an amino acid with dissimilar properties. This amino acid position is conserved. In addition, this alteration is predicted to be deleterious by in silico analysis. Based on the available evidence, the clinical significance of this variant remains unclear.

NM_014915.3(ANKRD26):c.158C>A (p.Ala53Asp)

Genes: ANKRD26 (ankyrin repeat domain 26; minus strand), LOC130003554 (ATAC-STARR-seq lymphoblastoid silent region 2243; plus strand). Cytogenetic location: 10p12.1.
Variant type: single nucleotide variant.
Coding change: c.158C>A on transcript NM_014915.3 (MANE Select); coding-DNA position 158, C replaced by A.
Protein change: p.Ala53Asp; replaces alanine 53 with aspartic acid.
Molecular consequence: missense variant.
Genome position (GRCh38, 1-based): chr10:27,100,169, G>T on the plus strand (C>A on the coding strand, the complement: ANKRD26 is on the minus strand). VCF-style: chr10-27100169-G-T. GRCh37 (hg19) VCF-style: chr10-27389098-G-T.
Other names: c.158C>A, p.Ala53Asp (NM_001256053.2); short protein forms A53D.
Identifiers: ClinVar variation 4578952 (VCV004578952.1).